The following is an entry in ClinVar:

ClinVar aggregate classification (germline): Likely benign. Review status: criteria provided, multiple submitters, no conflicts (2 of 4 stars). 2 submissions from 2 submitters: Likely benign (2). Last evaluated 2025-05-15.

Conditions:
Tuberous sclerosis 2 (TSC2). Identifiers: Orphanet 805, MedGen C1860707, MONDO:0013199, OMIM 613254.

Submissions (2):

Myriad Genetics, Inc.
Classification: Likely benign for Tuberous sclerosis 2. Last evaluated: 2025-05-15. Review status: criteria provided, single submitter. Criteria: Myriad Autosomal Dominant, Autosomal Recessive and X-Linked Classification Criteria (2023). Collection method: clinical testing. Allele origin: unknown.
Comment: This variant is considered likely benign. This variant is intronic and is not expected to impact mRNA splicing.

Labcorp Genetics (formerly Invitae), Labcorp
Classification: Likely benign for Tuberous sclerosis 2. Last evaluated: 2024-02-15. Review status: criteria provided, single submitter. Criteria: Invitae Variant Classification Sherloc (09022015). Collection method: clinical testing. Allele origin: germline.

NM_000548.5(TSC2):c.1716+9T>G

Gene: TSC2 (TSC complex subunit 2; plus strand). Cytogenetic location: 16p13.3.
Variant type: single nucleotide variant.
Coding change: c.1716+9T>G on transcript NM_000548.5 (MANE Select); 9 bases into the intron after coding-DNA position 1716, T replaced by G.
Molecular consequence: intron variant.
Genome position (GRCh38, 1-based): chr16:2,065,644, T>G. VCF-style: chr16-2065644-T-G. GRCh37 (hg19) VCF-style: chr16-2115645-T-G.
Other names: c.372+9T>G (NM_001406695.1, NM_001406696.1, NM_001406694.1 and 6 more transcripts); c.1704+9T>G (NM_001406671.1, NM_001406673.1); c.1254+9T>G (NM_001406681.1); c.1605+9T>G (NM_001406670.1, NM_001318827.2, NM_001406678.1); c.1116+9T>G (NM_001406688.1, NM_001406680.1, NM_001406682.1 and 6 more transcripts); c.1659+9T>G (NM_001406677.1); c.1569+9T>G (NM_001406675.1, NM_001406676.1, NM_001318829.2 and 1 more transcripts); c.1716+9T>G (NM_001406665.1, NM_001370404.1, NM_001077183.3 and 6 more transcripts); and 3 more.
Identifiers: ClinVar variation 3641060 (VCV003641060.3).